The following is an entry in ClinVar:

ClinVar aggregate classification (germline): Uncertain significance (1 of 4 stars; one submission).

Conditions:
Frontotemporal dementia and/or amyotrophic lateral sclerosis 1 (FTDALS1). Also called: C9orf72 Frontotemporal Dementia and/or Amyotrophic Lateral Sclerosis; Frontotemporal dementia with motor neuron disease 1. Identifiers: Orphanet 275872, MedGen C5779877, MONDO:0007105, OMIM 105550.
Paget disease of bone 2, early-onset (PDB2). Also called: Paget disease of bone 2. Identifiers: MedGen C4085251, MONDO:0011183, OMIM 602080.

Submission:

Labcorp Genetics (formerly Invitae), Labcorp
Classification: Uncertain significance for Paget disease of bone 2, early-onset; Frontotemporal dementia and/or amyotrophic lateral sclerosis 1. Last evaluated: 2022-10-18. Review status: criteria provided, single submitter. Criteria: Invitae Variant Classification Sherloc (09022015). Collection method: clinical testing. Allele origin: germline.
Comment: In summary, the available evidence is currently insufficient to determine the role of this variant in disease. Therefore, it has been classified as a Variant of Uncertain Significance. Advanced modeling of protein sequence and biophysical properties (such as structural, functional, and spatial information, amino acid conservation, physicochemical variation, residue mobility, and thermodynamic stability) performed at Invitae indicates that this missense variant is expected to disrupt SQSTM1 protein function. This variant has not been reported in the literature in individuals affected with SQSTM1-related conditions. This variant is not present in population databases (gnomAD no frequency). This sequence change replaces serine, which is neutral and polar, with tyrosine, which is neutral and polar, at codon 397 of the SQSTM1 protein (p.Ser397Tyr).

NM_003900.5(SQSTM1):c.1190C>A (p.Ser397Tyr)

Gene: SQSTM1 (sequestosome 1; plus strand). Cytogenetic location: 5q35.3.
Variant type: single nucleotide variant.
Coding change: c.1190C>A on transcript NM_003900.5 (MANE Select); coding-DNA position 1190, C replaced by A.
Protein change: p.Ser397Tyr; replaces serine 397 with tyrosine.
Molecular consequence: missense variant.
Genome position (GRCh38, 1-based): chr5:179,836,460, C>A. VCF-style: chr5-179836460-C-A. GRCh37 (hg19) VCF-style: chr5-179263460-C-A.
Other names: c.938C>A, p.Ser313Tyr (NM_001142298.2, NM_001142299.2); short protein forms S397Y, S313Y.
Identifiers: ClinVar variation 2081060 (VCV002081060.4), dbSNP rs2480264859, ClinGen allele CA362453657.